The following is an entry in ClinVar:

NM_015378.4(VPS13D):c.11459A>T (p.Asn3820Ile)

Gene: VPS13D (vacuolar protein sorting 13 homolog D; plus strand). Cytogenetic location: 1p36.22.
Variant type: single nucleotide variant.
Coding change: c.11459A>T on transcript NM_015378.4 (MANE Select); coding-DNA position 11459, A replaced by T.
Protein change: p.Asn3820Ile; replaces asparagine 3820 with isoleucine.
Molecular consequence: missense variant.
Genome position (GRCh38, 1-based): chr1:12,385,348, A>T. VCF-style: chr1-12385348-A-T. GRCh37 (hg19) VCF-style: chr1-12445407-A-T.
Other names: p.Asn3820Ile; c.11384A>T, p.Asn3795Ile (NM_018156.4); c.11459A>T (NM_015378.2); short protein forms N3795I, N3820I.
Identifiers: ClinVar variation 873479 (VCV000873479.14), dbSNP rs142270656, ClinGen allele CA603952.
Genomic context (GRCh38, chr1:12,385,348, plus strand): 5'-GCCGTTCATATGAAGTGGATGAACTTCCTGTCACCGAACAAGAGCTGCAGAAATTAAAGA[A>T]TCCAGATACAGAGCAGGAATTGGAAGTAAGGTCTAAATATTGTGAATTTATTTATTTGAT-3'
Protein context (NP_056193.2, residues 3810-3830): VTEQELQKLK[Asn3820Ile]PDTEQELEVL

ClinVar aggregate classification (germline): Uncertain significance. Review status: criteria provided, multiple submitters, no conflicts (2 of 4 stars). 9 submissions from 9 submitters: Uncertain significance (6). 3 of the submissions do not count toward it. Last evaluated 2025-09-08.

Conditions:
Autosomal recessive cerebellar ataxia-saccadic intrusion syndrome. Also called: SPINOCEREBELLAR ATAXIA 24; VPS13D Movement Disorder. Identifiers: Orphanet 95434, MedGen C1846492, MONDO:0011811, OMIM 607317.
VPS13D-related disorder. Also called: VPS13D-related condition.
Inborn genetic diseases. Identifiers: MedGen C0950123, MeSH D030342.

Allele frequency attached by ClinVar (database versions not stated): gnomAD exomes 0.00032 and 0.00040; ESP Exome Variant Server 0.00038; gnomAD 0.00043 and 0.00042; ExAC 0.00032; TOPMed 0.00038.
gnomAD v4.1: 637 of 1,613,806 alleles (0.039%); highest among the groups gnomAD compares: Non-Finnish European, 0.05%; no homozygotes.

Submissions (9):

Labcorp Genetics (formerly Invitae), Labcorp
Classification: Uncertain significance. Last evaluated: 2025-09-08. Review status: criteria provided, single submitter. Criteria: Invitae Variant Classification Sherloc (09022015). Collection method: clinical testing. Allele origin: germline.
Comment: This sequence change replaces asparagine, which is neutral and polar, with isoleucine, which is neutral and non-polar, at codon 3820 of the VPS13D protein (p.Asn3820Ile). This variant is present in population databases (rs142270656, gnomAD 0.06%). This variant has not been reported in the literature in individuals affected with VPS13D-related conditions. ClinVar contains an entry for this variant (Variation ID: 873479). Invitae Evidence Modeling of protein sequence and biophysical properties (such as structural, functional, and spatial information, amino acid conservation, physicochemical variation, residue mobility, and thermodynamic stability) indicates that this missense variant is not expected to disrupt VPS13D protein function with a negative predictive value of 80%. In summary, the available evidence is currently insufficient to determine the role of this variant in disease. Therefore, it has been classified as a Variant of Uncertain Significance.

Mayo Clinic Laboratories, Mayo Clinic
Classification: Uncertain significance. Last evaluated: 2025-02-25. Review status: criteria provided, single submitter. Criteria: ACMG Guidelines, 2015. Collection method: clinical testing. Allele origin: germline. Observed: 3 variant alleles.
Comment: BP4_moderate

Blueprint Genetics
Classification: Uncertain significance. Last evaluated: 2024-11-13. Review status: criteria provided, single submitter. Criteria: ACMG Guidelines, 2015. Collection method: clinical testing. Allele origin: germline.

GeneDx
Classification: Uncertain significance. Last evaluated: 2023-03-30. Review status: criteria provided, single submitter. Criteria: GeneDx Variant Classification Process June 2021. Collection method: clinical testing. Allele origin: germline. Affected: yes.
Comment: In silico analysis supports that this missense variant has a deleterious effect on protein structure/function; Has not been previously published as pathogenic or benign to our knowledge

Ambry Genetics
Classification: Uncertain significance for Inborn genetic diseases. Last evaluated: 2021-09-17. Review status: criteria provided, single submitter. Criteria: Ambry Variant Classification Scheme 2023. Collection method: clinical testing. Allele origin: germline.

Illumina Laboratory Services, Illumina
Classification: Uncertain significance for Autosomal recessive cerebellar ataxia-saccadic intrusion syndrome. Last evaluated: 2020-01-10. Review status: criteria provided, single submitter. Criteria: ICSLVariantClassificationCriteria RUGD 01 April 2020. Collection method: clinical testing. Allele origin: unknown.
Comment: The VPS13D c.11459A>T (p.Asn3820Ile) variant is a missense variant. A literature search was performed for the gene, cDNA change, and amino acid change. No publications were found based on this search. This variant is found at a frequency of 0.000605 in the European (non-Finnish) population of the Genome Aggregation Database. Based on the limited evidence, the p.Asn3820Ile variant is classified as variant of unknown significance for VPS13D-related movement disorder.

PreventionGenetics, part of Exact Sciences
Classification: Uncertain significance for VPS13D-related condition. Last evaluated: 2024-08-30. Review status: no assertion criteria provided. Collection method: clinical testing. Allele origin: germline. Not counted in ClinVar's aggregate classification.
Comment: The VPS13D c.11459A>T variant is predicted to result in the amino acid substitution p.Asn3820Ile. To our knowledge, this variant has not been reported in the literature. This variant is reported in 0.061% of alleles in individuals of European (Non-Finnish) descent in gnomAD. Although we suspect that this variant may be benign, at this time, the clinical significance of this variant is uncertain due to the absence of conclusive functional and genetic evidence.

Clinical Genetics DNA and cytogenetics Diagnostics Lab, Erasmus MC, Erasmus Medical Center
Classification: Uncertain significance. Review status: no assertion criteria provided. Collection method: clinical testing. Allele origin: germline. Affected: yes. Study: VKGL Data-share Consensus. Not counted in ClinVar's aggregate classification.

Diagnostic Laboratory, Department of Genetics, University Medical Center Groningen
Classification: Uncertain significance. Review status: no assertion criteria provided. Collection method: clinical testing. Allele origin: germline. Affected: yes. Study: VKGL Data-share Consensus. Not counted in ClinVar's aggregate classification.